The following is an entry in ClinVar:

NM_001042492.3(NF1):c.1753_1759del (p.Leu585fs)

Gene: NF1 (neurofibromin 1; plus strand). Cytogenetic location: 17q11.2.
Variant type: Deletion.
Coding change: c.1753_1759del on transcript NM_001042492.3 (MANE Select); coding-DNA positions 1753 to 1759, 7 bases deleted (TTAACTA; older notation c.1753_1759delTTAACTA).
Protein change: p.Leu585fs; shifts the reading frame from leucine 585.
Molecular consequence: frameshift variant.
Genome position (GRCh38, 1-based): chr17:31,223,475-31,223,481, TTAACTA deleted; deleting any 7 consecutive bases within chr17:31,223,474-31,223,481 gives the same sequence; the c. name uses the placement nearest the transcript's 3' end. VCF-style (leftmost placement, unchanged base first): chr17-31223473-AATTAACT-A. GRCh37 (hg19) VCF-style: chr17-29550491-AATTAACT-A.
Other names: c.1753_1759delTTAACTA, p.Leu585Valfs (NM_000267.4); short protein forms L585fs.
Identifiers: ClinVar variation 836939 (VCV000836939.7), dbSNP rs2066962518, ClinGen allele CA916080574.
Genomic context (GRCh38, chr17:31,223,473, plus strand): 5'-GCTAGTAACAATGAACTTTATGTTACTGCAGCTCACAAATGCTTTTTTACATCTGCAAGA[AATTAACT>A]AGTCATCAAATGCTTAGTAGCACAGAAATTCTCAAGTGGTTGCGGGAAATATTGATCTGC-3'

ClinVar aggregate classification (germline): Pathogenic (1 of 4 stars; one submission).

Conditions:
Neurofibromatosis, type 1 (NF1). Also called: Peripheral type neurofibromatosis; Neurofibromatosis, type I; VON RECKLINGHAUSEN DISEASE; NEUROFIBROMATOSIS, TYPE I, SOMATIC. Identifiers: Orphanet 636, MedGen C0027831, MONDO:0018975, OMIM 162200. Disease mechanism: loss of function.

Submission:

Labcorp Genetics (formerly Invitae), Labcorp
Classification: Pathogenic for Neurofibromatosis, type 1. Last evaluated: 2019-12-23. Review status: criteria provided, single submitter. Criteria: Invitae Variant Classification Sherloc (09022015). Collection method: clinical testing. Allele origin: germline.
Comment: This sequence change creates a premature translational stop signal (p.Leu585Valfs*18) in the NF1 gene. It is expected to result in an absent or disrupted protein product. This variant is not present in population databases (ExAC no frequency). This variant has not been reported in the literature in individuals with NF1-related conditions. Loss-of-function variants in NF1 are known to be pathogenic (PMID: 10712197, 23913538). For these reasons, this variant has been classified as Pathogenic.

Literature cited by the submitters: PubMed 10712197; PubMed 23913538.